The following is an entry in ClinVar:

NM_052844.4(DYNC2I2):c.1106C>T (p.Ala369Val)

Genes: DYNC2I2 (dynein 2 intermediate chain 2; minus strand), LOC126860772 (CDK7 strongly-dependent group 2 enhancer GRCh37_chr9:131396972-131398171; plus strand). Cytogenetic location: 9q34.11.
Variant type: single nucleotide variant.
Coding change: c.1106C>T on transcript NM_052844.4 (MANE Select); coding-DNA position 1106, C replaced by T.
Protein change: p.Ala369Val; replaces alanine 369 with valine.
Molecular consequence: missense variant.
Genome position (GRCh38, 1-based): chr9:128,634,797, G>A on the plus strand (C>T on the coding strand, the complement: DYNC2I2 is on the minus strand). VCF-style: chr9-128634797-G-A. GRCh37 (hg19) VCF-style: chr9-131397076-G-A.
Other names: c.1106C>T (NM_052844.3); short protein forms A369V.
Identifiers: ClinVar variation 3623932 (VCV003623932.3).
Genomic context (GRCh38, chr9:128,634,797, plus strand): 5'-GAGAAGGTAAACTGTGCTGGGGCCCGCAGGGGCACGGAGCTGGGCATCCGCGTGAGGGCT[G>A]CCTCTCCAGCTGCCAGGGAACACTTGAGCGGGAAGCCGCCTTCCGTGCCCAGAATGAACA-3'
Protein context (NP_443076.2, residues 359-379): PLKCSLAAGE[Ala369Val]ALTRMPSSVP

ClinVar aggregate classification (germline): Uncertain significance. Review status: criteria provided, multiple submitters, no conflicts (2 of 4 stars). 2 submissions from 2 submitters: Uncertain significance (2). Last evaluated 2025-04-15.

Conditions:
Inborn genetic diseases. Identifiers: MedGen C0950123, MeSH D030342.
Short-rib thoracic dysplasia 11 with or without polydactyly (SRTD11). Also called: SHORT-RIB THORACIC DYSPLASIA 11 WITHOUT POLYDACTYLY. Identifiers: Orphanet 474, Orphanet 93271, MedGen C3810200, MONDO:0014287, OMIM 615633.

gnomAD v4.1: 69 of 1,612,522 alleles (0.0043%); highest among the groups gnomAD compares: South Asian, 0.072%; no homozygotes.

Submissions (2):

Ambry Genetics
Classification: Uncertain significance for Inborn genetic diseases. Last evaluated: 2025-04-15. Review status: criteria provided, single submitter. Criteria: Ambry Variant Classification Scheme 2023. Collection method: clinical testing. Allele origin: germline.

Labcorp Genetics (formerly Invitae), Labcorp
Classification: Uncertain significance for Short-rib thoracic dysplasia 11 with or without polydactyly. Last evaluated: 2024-05-04. Review status: criteria provided, single submitter. Criteria: Invitae Variant Classification Sherloc (09022015). Collection method: clinical testing. Allele origin: germline.
Comment: This sequence change replaces alanine, which is neutral and non-polar, with valine, which is neutral and non-polar, at codon 369 of the WDR34 protein (p.Ala369Val). This variant is present in population databases (rs530336328, gnomAD 0.1%). This variant has not been reported in the literature in individuals affected with WDR34-related conditions. An algorithm developed to predict the effect of missense changes on protein structure and function (PolyPhen-2) suggests that this variant is likely to be tolerated. In summary, the available evidence is currently insufficient to determine the role of this variant in disease. Therefore, it has been classified as a Variant of Uncertain Significance.